The following is an entry in ClinVar:

ClinVar aggregate classification (germline): Pathogenic (1 of 4 stars; one submission).

Conditions:
Familial adenomatous polyposis 1 (FAP1). Also called: FAMILIAL ADENOMATOUS POLYPOSIS 1, ATTENUATED; POLYPOSIS, ADENOMATOUS INTESTINAL. Identifiers: MedGen C2713442, MONDO:0021056, OMIM 175100. Disease mechanism: loss of function.

Submission:

Labcorp Genetics (formerly Invitae), Labcorp
Classification: Pathogenic for Familial adenomatous polyposis 1. Last evaluated: 2019-01-13. Review status: criteria provided, single submitter. Criteria: Invitae Variant Classification Sherloc (09022015). Collection method: clinical testing. Allele origin: germline.
Comment: This variant is expected to disrupt the EB1 and HDLG binding sites, which mediate interactions with the cytoskeleton (PMID: 15311282, 17293347). While functional studies have not been performed to directly test the effect on APC protein function, this suggests that disruption of the C-terminal portion of the protein is functionally important. A different truncation (p.Tyr2645Lysfs*14) that lies downstream of this variant has been determined to be pathogenic (PMID: 9824584, 1316610, 27081525, 8381579, 22135120, Invitae). This suggests that deletion of this region of the APC protein is causative of disease. For these reasons, this variant has been classified as Pathogenic. This variant has not been reported in the literature in individuals with APC-related conditions. This variant is not present in population databases (ExAC no frequency). This sequence change results in a premature translational stop signal in the APC gene (p.Tyr825*). While this is not anticipated to result in nonsense mediated decay, it is expected to delete the last 2019 amino acids of the APC protein.

Literature cited by the submitters: PubMed 15311282; PubMed 17293347; PubMed 9824584; PubMed 1316610; PubMed 27081525; PubMed 8381579; PubMed 22135120.

NM_000038.6(APC):c.2475T>G (p.Tyr825Ter)

Gene: APC (APC regulator of Wnt signaling pathway; plus strand). Cytogenetic location: 5q22.2.
Variant type: single nucleotide variant.
Coding change: c.2475T>G on transcript NM_000038.6 (MANE Select); coding-DNA position 2475, T replaced by G.
Protein change: p.Tyr825Ter; replaces tyrosine 825 with a stop codon.
Molecular consequence: nonsense.
Genome position (GRCh38, 1-based): chr5:112,838,069, T>G. VCF-style: chr5-112838069-T-G. GRCh37 (hg19) VCF-style: chr5-112173766-T-G.
Other names: c.2475T>G, p.Tyr825Ter (NM_001127510.3, NM_001354895.2); c.2421T>G, p.Tyr807Ter (NM_001127511.3); c.2529T>G, p.Tyr843Ter (NM_001354896.2); c.2505T>G, p.Tyr835Ter (NM_001354897.2); c.2400T>G, p.Tyr800Ter (NM_001354898.2); c.2391T>G, p.Tyr797Ter (NM_001354899.2); c.2352T>G, p.Tyr784Ter (NM_001354900.2); c.2298T>G, p.Tyr766Ter (NM_001354901.2); and 5 more; short protein forms Y542*, Y665*, Y734*, Y784*, Y825*, Y699*, Y800*, Y807*.
Identifiers: ClinVar variation 840815 (VCV000840815.11), dbSNP rs1554084195, ClinGen allele CA16026765.
Genomic context (GRCh38, chr5:112,838,069, plus strand): 5'-ACATGATGATAATAGGTCAGACAATTTTAATACTGGCAACATGACTGTCCTTTCACCATA[T>G]TTGAATACTACAGTGTTACCCAGCTCCTCTTCATCAAGAGGAAGCTTAGATAGTTCTCGT-3'